The following is an entry in ClinVar:

NM_001330078.2(NRXN1):c.3875_3889del (p.Pro1292_Gln1296del)

Gene: NRXN1 (neurexin 1; minus strand). Cytogenetic location: 2p16.3.
Variant type: Deletion.
Coding change: c.3875_3889del on transcript NM_001330078.2 (MANE Select); coding-DNA positions 3875 to 3889, 15 bases deleted (CCTTCCAGGGCCAGC).
Protein change: p.Pro1292_Gln1296del.
Molecular consequence: inframe deletion.
Genome position (GRCh38, 1-based): chr2:50,053,510-50,053,524, GCTGGCCCTGGAAGG deleted on the plus strand (CCTTCCAGGGCCAGC on the coding strand, the reverse complement: NRXN1 is on the minus strand); deleting any 15 consecutive bases within chr2:50,053,510-50,053,534 gives the same sequence; the c. name uses the placement nearest the transcript's 3' end. VCF-style (leftmost placement, unchanged base first): chr2-50053509-AGCTGGCCCTGGAAGG-A. GRCh37 (hg19) VCF-style: chr2-50280647-AGCTGGCCCTGGAAGG-A.
Other names: c.3851_3865del, p.Pro1284_Gln1288del (NM_001330082.2, NM_001330077.2); c.3719_3733del, p.Pro1240_Gln1244del (NM_001330083.2); c.3809_3823del, p.Pro1270_Gln1274del (NM_001330084.2); c.3848_3862del, p.Pro1283_Gln1287del (NM_001330085.2); c.3875_3889del, p.Pro1292_Gln1296del (NM_001330086.2); c.3674_3688del, p.Pro1225_Gln1229del (NM_001330087.2, NM_001330096.2); c.3704_3718del, p.Pro1235_Gln1239del (NM_001330088.2); c.770_784del, p.Pro257_Gln261del (NM_001330091.2, NM_001330092.2); and 6 more.
Identifiers: ClinVar variation 1392877 (VCV001392877.8), dbSNP rs2152626829, ClinGen allele CA2573134824.

ClinVar aggregate classification (germline): Uncertain significance (1 of 4 stars; one submission).

Conditions:
Pitt-Hopkins-like syndrome 2 (PTHSL2). Identifiers: Orphanet 221150, Orphanet 600663, MedGen C3280479, MONDO:0013690, OMIM 614325.

Submission:

Labcorp Genetics (formerly Invitae), Labcorp
Classification: Uncertain significance for Pitt-Hopkins-like syndrome 2. Last evaluated: 2021-05-04. Review status: criteria provided, single submitter. Criteria: Invitae Variant Classification Sherloc (09022015). Collection method: clinical testing. Allele origin: germline.
Comment: This variant has not been reported in the literature in individuals with NRXN1-related conditions. In summary, the available evidence is currently insufficient to determine the role of this variant in disease. Therefore, it has been classified as a Variant of Uncertain Significance. Experimental studies and prediction algorithms are not available or were not evaluated, and the functional significance of this variant is currently unknown. This variant is not present in population databases (ExAC no frequency). This variant, c.3995_4009del, results in the deletion of 5 amino acid(s) of the NRXN1 protein (p.Pro1332_Gln1336del), but otherwise preserves the integrity of the reading frame.